The following is an entry in ClinVar:

NM_000719.7(CACNA1C):c.4074+153G>A

Gene: CACNA1C (calcium voltage-gated channel subunit alpha1 C; plus strand). Cytogenetic location: 12p13.33.
Variant type: single nucleotide variant.
Coding change: c.4074+153G>A on transcript NM_000719.7 (MANE Select); 153 bases into the intron after coding-DNA position 4074, G replaced by A.
Molecular consequence: intron variant.
Genome position (GRCh38, 1-based): chr12:2,651,921, G>A. VCF-style: chr12-2651921-G-A. GRCh37 (hg19) VCF-style: chr12-2761087-G-A.
Other names: c.4074+153G>A (NM_001167624.3, NM_001167623.2, NM_001129840.2 and 7 more transcripts); c.4041+153G>A (NM_001167625.2, NM_001129837.2, NM_001129838.2 and 1 more transcripts); c.4218+153G>A (NM_199460.4, NM_001129827.2); c.4134+153G>A (NM_001129832.2); c.4158+153G>A (NM_001129831.2); c.4140+153G>A (NM_001129829.2); c.4035+153G>A (NM_001129839.2); c.4125+153G>A (NM_001129836.2); and 1 more.
Identifiers: ClinVar variation 671972 (VCV000671972.5), dbSNP rs45616033, ClinGen allele CA13611126.

ClinVar aggregate classification (germline): Benign/Likely benign. Review status: criteria provided, multiple submitters, no conflicts (2 of 4 stars). 2 submissions from 2 submitters: Benign (1); Likely benign (1). Last evaluated 2019-12-31.

Conditions:
Long QT syndrome (LQTS). Identifiers: MedGen C0023976, MeSH D008133, MONDO:0002442. Disease mechanism: loss of function. Inheritance: Various modes of inheritance.

Allele frequency attached by ClinVar (database versions not stated): TOPMed 0.03071; gnomAD 0.03195; 1000 Genomes Project 0.01378; 1000 Genomes Project 30x 0.01390.
gnomAD v4.1: 4,867 of 151,950 alleles (3.2%); highest among the groups gnomAD compares: Non-Finnish European, 4.5%; 112 homozygotes.

Submissions (2):

Labcorp Genetics (formerly Invitae), Labcorp
Classification: Benign for Long QT syndrome. Last evaluated: 2019-12-31. Review status: criteria provided, single submitter. Criteria: Invitae Variant Classification Sherloc (09022015). Collection method: clinical testing. Allele origin: germline.

GeneDx
Classification: Likely benign. Last evaluated: 2018-06-14. Review status: criteria provided, single submitter. Criteria: GeneDx Variant Classification (06012015). Collection method: clinical testing. Allele origin: germline. Affected: yes.
Comment: This variant is considered likely benign or benign based on one or more of the following criteria: it is a conservative change, it occurs at a poorly conserved position in the protein, it is predicted to be benign by multiple in silico algorithms, and/or has population frequency not consistent with disease.